The following is an entry in ClinVar:

ClinVar aggregate classification (germline): Uncertain significance (1 of 4 stars; one submission).

Conditions:
Hereditary cancer-predisposing syndrome. Also called: Hereditary neoplastic syndrome; Neoplastic Syndromes, Hereditary; Tumor predisposition; Hereditary Cancer Syndrome. Identifiers: Orphanet 140162, MedGen C0027672, MeSH D009386, MONDO:0015356.

Submission:

Ambry Genetics
Classification: Uncertain significance for Hereditary cancer-predisposing syndrome. Last evaluated: 2025-02-22. Review status: criteria provided, single submitter. Criteria: Ambry Variant Classification Scheme 2023. Collection method: clinical testing. Allele origin: germline.
Comment: The p.K1125R variant (also known as c.3374A>G), located in coding exon 17 of the BLM gene, results from an A to G substitution at nucleotide position 3374. The lysine at codon 1125 is replaced by arginine, an amino acid with highly similar properties. This amino acid position is conserved. In addition, this alteration is predicted to be tolerated by in silico analysis. Based on the available evidence, the clinical significance of this variant remains unclear.

NM_000057.4(BLM):c.3374A>G (p.Lys1125Arg)

Gene: BLM (BLM RecQ like helicase; plus strand). Cytogenetic location: 15q26.1.
Variant type: single nucleotide variant.
Coding change: c.3374A>G on transcript NM_000057.4 (MANE Select); coding-DNA position 3374, A replaced by G.
Protein change: p.Lys1125Arg; replaces lysine 1125 with arginine.
Molecular consequence: missense variant. On other transcripts: intron variant (1).
Genome position (GRCh38, 1-based): chr15:90,803,536, A>G. VCF-style: chr15-90803536-A-G. GRCh37 (hg19) VCF-style: chr15-91346766-A-G.
Other names: c.3374A>G, p.Lys1125Arg (NM_001287246.2); c.2249A>G, p.Lys750Arg (NM_001287248.2); c.3358+5199A>G (NM_001287247.2); short protein forms K1125R, K750R.
Identifiers: ClinVar variation 3824474 (VCV003824474.1).
Genomic context (GRCh38, chr15:90,803,536, plus strand): 5'-ATATACGTACATTTACTCATCTTACTTCCTGTATCTTCTTATCAGGGAGTAAGAGTGCAA[A>G]AATCCAGTCAGGTATATTTGGAAAAGGATCTGCTTATTCACGACACAATGCCGAAAGACT-3'
Protein context (NP_000048.1, residues 1115-1135): VDIFLGSKSA[Lys1125Arg]IQSGIFGKGS